The following is an entry in ClinVar:

ClinVar aggregate classification (germline): Uncertain significance (1 of 4 stars; one submission).

Conditions:
Myopathy, proximal, and ophthalmoplegia (CMYO6). Also called: MYOPATHY WITH CONGENITAL JOINT CONTRACTURES, OPHTHALMOPLEGIA, AND RIMMED VACUOLES; INCLUSION BODY MYOPATHY 3, AUTOSOMAL DOMINANT; CONGENITAL MYOPATHY 6 WITH OPHTHALMOPLEGIA. Identifiers: Orphanet 363677, Orphanet 79091, MedGen C1854106, MONDO:0011577, OMIM 605637.

Submission:

Labcorp Genetics (formerly Invitae), Labcorp
Classification: Uncertain significance for Myopathy, proximal, and ophthalmoplegia. Last evaluated: 2024-04-25. Review status: criteria provided, single submitter. Criteria: Invitae Variant Classification Sherloc (09022015). Collection method: clinical testing. Allele origin: germline.
Comment: This sequence change replaces proline, which is neutral and non-polar, with serine, which is neutral and polar, at codon 569 of the MYH2 protein (p.Pro569Ser). This variant is not present in population databases (gnomAD no frequency). This variant has not been reported in the literature in individuals affected with MYH2-related conditions. ClinVar contains an entry for this variant (Variation ID: 1507259). Advanced modeling of protein sequence and biophysical properties (such as structural, functional, and spatial information, amino acid conservation, physicochemical variation, residue mobility, and thermodynamic stability) performed at Invitae indicates that this missense variant is not expected to disrupt MYH2 protein function with a negative predictive value of 80%. In summary, the available evidence is currently insufficient to determine the role of this variant in disease. Therefore, it has been classified as a Variant of Uncertain Significance.

NM_017534.6(MYH2):c.1705C>T (p.Pro569Ser)

Genes: MYH2 (myosin heavy chain 2; minus strand), MYHAS (myosin heavy chain gene cluster antisense RNA; plus strand). Cytogenetic location: 17p13.1.
Variant type: single nucleotide variant.
Coding change: c.1705C>T on transcript NM_017534.6 (MANE Select); coding-DNA position 1705, C replaced by T.
Protein change: p.Pro569Ser; replaces proline 569 with serine.
Molecular consequence: missense variant.
Genome position (GRCh38, 1-based): chr17:10,537,425, G>A on the plus strand (C>T on the coding strand, the complement: MYH2 is on the minus strand). VCF-style: chr17-10537425-G-A. GRCh37 (hg19) VCF-style: chr17-10440742-G-A.
Other names: c.1705C>T, p.Pro569Ser (NM_001100112.2); short protein forms P569S.
Identifiers: ClinVar variation 1507259 (VCV001507259.8), dbSNP rs1567733741, ClinGen allele CA398155727.
Genomic context (GRCh38, chr17:10,537,425, plus strand): 5'-CAACACCAGCATAGTGAATCAGAGCGAAGTGGGCCTCGGCCTTGCCTTTGACCACCTTGG[G>A]CTTCTGGAAGTTGGCAGACTTGCCCAGGTGCTGGTCATACAGCTTGTTCTTGAAGGAGGT-3'
Protein context (NP_060004.3, residues 559-579): HLGKSANFQK[Pro569Ser]KVVKGKAEAH